The following is an entry in ClinVar:

NM_021930.6(RINT1):c.794G>C (p.Ser265Thr)

Gene: RINT1 (RAD50 interactor 1; plus strand). Cytogenetic location: 7q22.3.
Variant type: single nucleotide variant.
Coding change: c.794G>C on transcript NM_021930.6 (MANE Select); coding-DNA position 794, G replaced by C.
Protein change: p.Ser265Thr; replaces serine 265 with threonine.
Molecular consequence: missense variant. On other transcripts: 5 prime UTR variant (2), non-coding transcript variant (1), intron variant (1).
Genome position (GRCh38, 1-based): chr7:105,547,288, G>C. VCF-style: chr7-105547288-G-C. GRCh37 (hg19) VCF-style: chr7-105187735-G-C.
Other names: c.560G>C, p.Ser187Thr (NM_001346599.2); c.-226G>C (NM_001346600.2); c.-129G>C (NM_001346601.2); c.-27-2767G>C (NM_001346603.2); short protein forms S187T, S265T.
Identifiers: ClinVar variation 1038528 (VCV001038528.12), dbSNP rs1409521142, ClinGen allele CA368806396.

ClinVar aggregate classification (germline): Uncertain significance. Review status: criteria provided, multiple submitters, no conflicts (2 of 4 stars). 2 submissions from 2 submitters: Uncertain significance (2). Last evaluated 2025-12-13.

Allele frequency attached by ClinVar (database versions not stated): gnomAD 0.00001; TOPMed 0.00001.
gnomAD v4.1: 1 of 1,614,034 alleles (0.000062%); highest among the groups gnomAD compares: Non-Finnish European, 0.000085%; no homozygotes.

Submissions (2):

Ambry Genetics
Classification: Uncertain significance. Last evaluated: 2025-12-13. Review status: criteria provided, single submitter. Criteria: Ambry Variant Classification Scheme 2023. Collection method: clinical testing. Allele origin: germline.
Comment: The p.S265T variant (also known as c.794G>C), located in coding exon 6 of the RINT1 gene, results from a G to C substitution at nucleotide position 794. The serine at codon 265 is replaced by threonine, an amino acid with similar properties. This amino acid position is conserved. In addition, this alteration is predicted to be tolerated by in silico analysis. Since supporting evidence is limited at this time, the clinical significance of this alteration remains unclear.

Labcorp Genetics (formerly Invitae), Labcorp
Classification: Uncertain significance. Last evaluated: 2024-04-16. Review status: criteria provided, single submitter. Criteria: Invitae Variant Classification Sherloc (09022015). Collection method: clinical testing. Allele origin: germline.
Comment: This sequence change replaces serine, which is neutral and polar, with threonine, which is neutral and polar, at codon 265 of the RINT1 protein (p.Ser265Thr). This variant is not present in population databases (gnomAD no frequency). This variant has not been reported in the literature in individuals affected with RINT1-related conditions. ClinVar contains an entry for this variant (Variation ID: 1038528). Algorithms developed to predict the effect of missense changes on protein structure and function output the following: SIFT: "Not Available"; PolyPhen-2: "Benign"; Align-GVGD: "Not Available". The threonine amino acid residue is found in multiple mammalian species, which suggests that this missense change does not adversely affect protein function. In summary, the available evidence is currently insufficient to determine the role of this variant in disease. Therefore, it has been classified as a Variant of Uncertain Significance.